The following is an entry in ClinVar:

ClinVar aggregate classification (germline): Pathogenic. Review status: reviewed by expert panel (3 of 4 stars). 2 submissions from 2 submitters: Pathogenic (1). 1 of the submissions does not count toward it. Last evaluated 2017-12-15.

Conditions:
Breast-ovarian cancer, familial, susceptibility to, 1 (BROVCA1). Also called: BRCA1 Hereditary Breast and Ovarian Cancer; OVARIAN CANCER, SUSCEPTIBILITY TO. Identifiers: Orphanet 145, MedGen C2676676, MONDO:0011450, OMIM 604370. Disease mechanism: loss of function.
Hereditary cancer-predisposing syndrome. Also called: Tumor predisposition; Neoplastic Syndromes, Hereditary; Hereditary Cancer Syndrome; Hereditary neoplastic syndrome. Identifiers: Orphanet 140162, MedGen C0027672, MeSH D009386, MONDO:0015356.

Submissions (2):

Evidence-based Network for the Interpretation of Germline Mutant Alleles (ENIGMA)
Classification: Pathogenic for Breast-ovarian cancer, familial, susceptibility to, 1. Last evaluated: 2017-12-15. Review status: reviewed by expert panel. Criteria: ENIGMA BRCA1/2 Classification Criteria (2017-06-29). Collection method: curation. Allele origin: germline. Study: ENIGMA.
Comment: Variant allele predicted to encode a truncated non-functional protein.

Color Diagnostics, LLC DBA Color Health
Classification: Pathogenic for Hereditary cancer-predisposing syndrome. Last evaluated: 2019-10-31. Review status: criteria provided, single submitter. Criteria: ACMG Guidelines, 2015. Collection method: clinical testing. Allele origin: germline. Not counted in ClinVar's aggregate classification.
Comment: This variant deletes 2 nucleotides in exon 10 of the BRCA1 gene, creating a frameshift and premature translation stop signal. This variant is expected to result in an absent or non-functional protein product. Splice site prediction tools suggest that this variant may not impact RNA splicing. To our knowledge, functional studies have not been performed for this variant. This variant has not been reported in individuals affected with hereditary cancer in the literature. This variant has not been identified in the general population by the Genome Aggregation Database (gnomAD). Loss of BRCA1 function is a known mechanism of disease. Based on the available evidence, this variant is classified as Pathogenic.

NM_007294.4(BRCA1):c.1044_1045del (p.Cys348_Glu349delinsTer)

Gene: BRCA1 (BRCA1 DNA repair associated; minus strand). Cytogenetic location: 17q21.31.
Variant type: Microsatellite.
Coding change: c.1044_1045del on transcript NM_007294.4 (MANE Select); coding-DNA positions 1044 to 1045, 2 bases deleted (TG; older notation c.1044_1045delTG).
Protein change: p.Cys348_Glu349delinsTer.
Molecular consequence: nonsense. On other transcripts: frameshift variant (2), intron variant (137).
Genome position (GRCh38, 1-based): chr17:43,094,486-43,094,487, CA deleted on the plus strand (TG on the coding strand, the reverse complement: BRCA1 is on the minus strand); deleting any 2 consecutive bases within chr17:43,094,486-43,094,491 gives the same sequence; the c. name uses the placement nearest the transcript's 3' end. VCF-style (leftmost placement, unchanged base first): chr17-43094485-TCA-T. GRCh37 (hg19) VCF-style: chr17-41246502-TCA-T.
Other names: c.1044_1045del (NM_007294.3); c.1044_1045delTG (NM_007294.3); c.831_832del, p.Cys277_Glu278delinsTer (NM_001407571.1, NM_001407853.1, NM_001407894.1 and 9 more transcripts); c.1044_1045del, p.Cys348_Glu349delinsTer (NM_001407581.1, NM_001407582.1, NM_001407583.1 and 30 more transcripts); c.1041_1042del, p.Cys347_Glu348delinsTer (NM_001407587.1, NM_001407590.1, NM_001407591.1 and 22 more transcripts); c.1035_1036del, p.Cys345_Glu346delinsTer (NM_001407646.1, NM_001407647.1); c.921_922del, p.Cys307_Glu308delinsTer (NM_001407648.1, NM_001407664.1, NM_001407665.1 and 19 more transcripts); c.918_919del, p.Cys306_Glu307delinsTer (NM_001407649.1, NM_001407670.1, NM_001407671.1 and 11 more transcripts); and 42 more.
Identifiers: ClinVar variation 548315 (VCV000548315.5), dbSNP rs1555592601, ClinGen allele CA658824542.